The following is an entry in ClinVar:

NM_001367624.2(ZNF469):c.9695C>T (p.Thr3232Met)

Gene: ZNF469 (zinc finger protein 469; plus strand). Cytogenetic location: 16q24.2.
Variant type: single nucleotide variant.
Coding change: c.9695C>T on transcript NM_001367624.2 (MANE Select); coding-DNA position 9695, C replaced by T.
Protein change: p.Thr3232Met; replaces threonine 3232 with methionine.
Molecular consequence: missense variant.
Genome position (GRCh38, 1-based): chr16:88,437,165, C>T. VCF-style: chr16-88437165-C-T. GRCh37 (hg19) VCF-style: chr16-88503573-C-T.
Other names: NM_001127464.1:c.9611C>T; short protein forms T3232M.
Identifiers: ClinVar variation 1767577 (VCV001767577.5), dbSNP rs1037506659, ClinGen allele CA286385653.

ClinVar aggregate classification (germline): Conflicting classifications of pathogenicity. Review status: criteria provided, conflicting classifications (1 of 4 stars). 2 submissions from 2 submitters: Uncertain significance (1); Likely benign (1). Last evaluated 2025-02-24.

Conditions:
Cardiovascular phenotype. Identifiers: MedGen CN230736.

Allele frequency attached by ClinVar (database versions not stated): gnomAD 0.00001; TOPMed 0.00001.
gnomAD v4.1: 11 of 1,549,242 alleles (0.00071%); highest among the groups gnomAD compares: East Asian, 0.0049%; no homozygotes.

Submissions (2):

Labcorp Genetics (formerly Invitae), Labcorp
Classification: Uncertain significance. Last evaluated: 2025-02-24. Review status: criteria provided, single submitter. Criteria: Invitae Variant Classification Sherloc (09022015). Collection method: clinical testing. Allele origin: germline.
Comment: This sequence change replaces threonine, which is neutral and polar, with methionine, which is neutral and non-polar, at codon 3204 of the ZNF469 protein (p.Thr3204Met). The frequency data for this variant in the population databases is considered unreliable, as metrics indicate poor data quality at this position in the gnomAD database. This variant has not been reported in the literature in individuals affected with ZNF469-related conditions. ClinVar contains an entry for this variant (Variation ID: 1767577). An algorithm developed to predict the effect of missense changes on protein structure and function outputs the following: PolyPhen-2: "Benign". The methionine amino acid residue is found in multiple mammalian species, which suggests that this missense change does not adversely affect protein function. In summary, the available evidence is currently insufficient to determine the role of this variant in disease. Therefore, it has been classified as a Variant of Uncertain Significance.

Ambry Genetics
Classification: Likely benign for Cardiovascular phenotype. Last evaluated: 2019-11-20. Review status: criteria provided, single submitter. Criteria: Ambry Variant Classification Scheme 2023. Collection method: clinical testing. Allele origin: germline.